The following is an entry in ClinVar:

ClinVar aggregate classification (germline): Uncertain significance. Review status: criteria provided, multiple submitters, no conflicts (2 of 4 stars). 3 submissions from 3 submitters: Uncertain significance (3). Last evaluated 2024-03-29.

Conditions:
Combined immunodeficiency due to LRBA deficiency. Also called: Common variable immunodeficiency 8, with autoimmunity. Identifiers: Orphanet 445018, MedGen C3553512, MONDO:0013863, OMIM 614700.

Allele frequency attached by ClinVar (database versions not stated): gnomAD 0.00001; TOPMed 0.00001.
gnomAD v4.1: 4 of 1,601,884 alleles (0.00025%); highest among the groups gnomAD compares: Admixed American, 0.0017%; no homozygotes.

Submissions (3):

Genomic Medicine Center of Excellence, King Faisal Specialist Hospital and Research Centre
Classification: Uncertain significance for Combined immunodeficiency due to LRBA deficiency. Last evaluated: 2024-03-29. Review status: criteria provided, single submitter. Criteria: ACMG Guidelines, 2015. Collection method: clinical testing. Allele origin: germline.

Baylor Genetics
Classification: Uncertain significance for Combined immunodeficiency due to LRBA deficiency. Last evaluated: 2019-11-20. Review status: criteria provided, single submitter. Criteria: ACMG Guidelines, 2015. Collection method: clinical testing. Allele origin: unknown. Affected: yes.
Comment: This variant was determined to be of uncertain significance according to ACMG Guidelines, 2015 [PMID:25741868].

Labcorp Genetics (formerly Invitae), Labcorp
Classification: Uncertain significance for Combined immunodeficiency due to LRBA deficiency. Last evaluated: 2019-09-15. Review status: criteria provided, single submitter. Criteria: Invitae Variant Classification Sherloc (09022015). Collection method: clinical testing. Allele origin: germline.
Comment: This variant is not present in population databases (ExAC no frequency). This sequence change replaces glutamic acid with lysine at codon 1801 of the LRBA protein (p.Glu1801Lys). The glutamic acid residue is weakly conserved and there is a small physicochemical difference between glutamic acid and lysine. This variant has not been reported in the literature in individuals with LRBA-related conditions. In summary, the available evidence is currently insufficient to determine the role of this variant in disease. Therefore, it has been classified as a Variant of Uncertain Significance. Algorithms developed to predict the effect of missense changes on protein structure and function are either unavailable or do not agree on the potential impact of this missense change (SIFT: "Tolerated"; PolyPhen-2: "Probably Damaging"; Align-GVGD: "Class C0").

NM_001364905.1(LRBA):c.5401G>A (p.Glu1801Lys)

Gene: LRBA (LPS responsive beige-like anchor protein; minus strand). Cytogenetic location: 4q31.3.
Variant type: single nucleotide variant.
Coding change: c.5401G>A on transcript NM_001364905.1 (MANE Select); coding-DNA position 5401, G replaced by A.
Protein change: p.Glu1801Lys; replaces glutamic acid 1801 with lysine.
Molecular consequence: missense variant.
Genome position (GRCh38, 1-based): chr4:150,806,388, C>T on the plus strand (G>A on the coding strand, the complement: LRBA is on the minus strand). VCF-style: chr4-150806388-C-T. GRCh37 (hg19) VCF-style: chr4-151727540-C-T.
Other names: c.5401G>A, p.Glu1801Lys (NM_001199282.3, NM_001367550.1, NM_006726.5); short protein forms E1801K.
Identifiers: ClinVar variation 935759 (VCV000935759.11), dbSNP rs199596976, ClinGen allele CA358609805.